The following is an entry in ClinVar:

NM_002972.4(SBF1):c.4040C>A (p.Pro1347Gln)

Gene: SBF1 (SET binding factor 1; minus strand). Cytogenetic location: 22q13.33.
Variant type: single nucleotide variant.
Coding change: c.4040C>A on transcript NM_002972.4 (MANE Select); coding-DNA position 4040, C replaced by A.
Protein change: p.Pro1347Gln; replaces proline 1347 with glutamine.
Molecular consequence: missense variant.
Genome position (GRCh38, 1-based): chr22:50,456,538, G>T on the plus strand (C>A on the coding strand, the complement: SBF1 is on the minus strand). VCF-style: chr22-50456538-G-T. GRCh37 (hg19) VCF-style: chr22-50894967-G-T.
Other names: c.3965C>A, p.Pro1322Gln (NM_001365819.1); c.4040C>A (NM_002972.2); short protein forms P1322Q, P1347Q.
Identifiers: ClinVar variation 1387270 (VCV001387270.4), dbSNP rs750323488, ClinGen allele CA10316424.

ClinVar aggregate classification (germline): Uncertain significance. Review status: criteria provided, multiple submitters, no conflicts (2 of 4 stars). 2 submissions from 2 submitters: Uncertain significance (2). Last evaluated 2025-07-02.

Allele frequency attached by ClinVar (database versions not stated): gnomAD 0.00004; TOPMed 0.00005.
gnomAD v4.1: 11 of 1,590,050 alleles (0.00069%); highest among the groups gnomAD compares: African/African-American, 0.0041%; no homozygotes.

Submissions (2):

Ambry Genetics
Classification: Uncertain significance. Last evaluated: 2025-07-02. Review status: criteria provided, single submitter. Criteria: Ambry Variant Classification Scheme 2023. Collection method: clinical testing. Allele origin: germline.

Labcorp Genetics (formerly Invitae), Labcorp
Classification: Uncertain significance. Last evaluated: 2021-08-23. Review status: criteria provided, single submitter. Criteria: Invitae Variant Classification Sherloc (09022015). Collection method: clinical testing. Allele origin: germline.
Comment: This sequence change replaces proline with glutamine at codon 1347 of the SBF1 protein (p.Pro1347Gln). The proline residue is weakly conserved and there is a moderate physicochemical difference between proline and glutamine. The frequency data for this variant in the population databases is considered unreliable, as metrics indicate poor data quality at this position in the ExAC database. This variant has not been reported in the literature in individuals affected with SBF1-related conditions. Algorithms developed to predict the effect of missense changes on protein structure and function (SIFT, PolyPhen-2, Align-GVGD) all suggest that this variant is likely to be tolerated. Algorithms developed to predict the effect of sequence changes on RNA splicing suggest that this variant may create or strengthen a splice site. In summary, the available evidence is currently insufficient to determine the role of this variant in disease. Therefore, it has been classified as a Variant of Uncertain Significance.